The following is an entry in ClinVar:

ClinVar aggregate classification (germline): Pathogenic/Likely pathogenic. Review status: criteria provided, multiple submitters, no conflicts (2 of 4 stars). 2 submissions from 2 submitters: Pathogenic (1); Likely pathogenic (1). Last evaluated 2025-10-21.

Conditions:
Multiple myeloma (MM). Also called: Plasma cell myeloma; Multiple myeloma, somatic. Identifiers: Orphanet 29073, Orphanet 85443, MedGen C0026764, MeSH D009101, MONDO:0009693, OMIM 254500, HP:0006775.
DNA ligase IV deficiency. Identifiers: Orphanet 99812, MedGen C1847827, MONDO:0011686, OMIM 606593.

Submissions (2):

Labcorp Genetics (formerly Invitae), Labcorp
Classification: Pathogenic for DNA ligase IV deficiency. Last evaluated: 2025-10-21. Review status: criteria provided, single submitter. Criteria: Invitae Variant Classification Sherloc (09022015). Collection method: clinical testing. Allele origin: germline.
Comment: This sequence change creates a premature translational stop signal (p.Leu242Ilefs*5) in the LIG4 gene. While this is not anticipated to result in nonsense mediated decay, it is expected to disrupt the last 670 amino acid(s) of the LIG4 protein. This variant is not present in population databases (gnomAD no frequency). This variant has not been reported in the literature in individuals affected with LIG4-related conditions. ClinVar contains an entry for this variant (Variation ID: 1423545). This variant disrupts a region of the LIG4 protein in which other variant(s) (p.Arg814*) have been determined to be pathogenic (PMID: 11779494, 16088910, 24123394, 25239263, 27063650, 27612988). This suggests that this is a clinically significant region of the protein, and that variants that disrupt it are likely to be disease-causing. For these reasons, this variant has been classified as Pathogenic.

Fulgent Genetics
Classification: Likely pathogenic for Multiple myeloma; DNA ligase IV deficiency. Last evaluated: 2024-04-24. Review status: criteria provided, single submitter. Criteria: ACMG Guidelines, 2015. Collection method: clinical testing. Allele origin: germline.

Literature cited by the submitters: PubMed 11779494 (cited by Labcorp Genetics (formerly Invitae), Labcorp); PubMed 16088910 (cited by Labcorp Genetics (formerly Invitae), Labcorp); PubMed 24123394 (cited by Labcorp Genetics (formerly Invitae), Labcorp); PubMed 25239263 (cited by Labcorp Genetics (formerly Invitae), Labcorp); PubMed 27063650 (cited by Labcorp Genetics (formerly Invitae), Labcorp); PubMed 27612988 (cited by Labcorp Genetics (formerly Invitae), Labcorp).

NM_206937.2(LIG4):c.724_725del (p.Leu242fs)

Gene: LIG4 (DNA ligase 4; minus strand). Cytogenetic location: 13q33.3.
Variant type: Deletion.
Coding change: c.724_725del on transcript NM_206937.2 (MANE Select); coding-DNA positions 724 to 725, 2 bases deleted (TT; older notation c.724_725delTT).
Protein change: p.Leu242fs; shifts the reading frame from leucine 242.
Molecular consequence: frameshift variant.
Genome position (GRCh38, 1-based): chr13:108,210,544-108,210,545, AA deleted on the plus strand (TT on the coding strand, the reverse complement: LIG4 is on the minus strand); deleting any 2 consecutive bases within chr13:108,210,544-108,210,546 gives the same sequence; the c. name uses the placement nearest the transcript's 3' end. VCF-style (leftmost placement, unchanged base first): chr13-108210543-TAA-T. GRCh37 (hg19) VCF-style: chr13-108862891-TAA-T.
Other names: c.724_725del, p.Leu242fs (NM_001098268.2, NM_001352598.2, NM_001352599.2 and 6 more transcripts); c.523_524del, p.Leu175fs (NM_001330595.2); c.760_761del, p.Leu254fs (NM_001352604.2); short protein forms L242fs, L254fs, L175fs.
Identifiers: ClinVar variation 1423545 (VCV001423545.7), dbSNP rs2138978299, ClinGen allele CA2573149478.